The following is an entry in ClinVar:

NM_006506.5(RASA2):c.1967dup (p.Asn656fs)

Gene: RASA2 (RAS p21 protein activator 2; plus strand). Cytogenetic location: 3q23.
Variant type: Duplication.
Coding change: c.1967dup on transcript NM_006506.5 (MANE Select); coding-DNA position 1967, one base duplicated (A; older notation c.1967dupA).
Protein change: p.Asn656fs; shifts the reading frame from asparagine 656.
Molecular consequence: frameshift variant.
Genome position (GRCh38, 1-based): chr3:141,607,711, A duplicated; the last of 6 consecutive A bases (chr3:141,607,706-141,607,711); duplicating any one gives the same sequence. VCF-style (leftmost placement, unchanged base first): chr3-141607705-T-TA. GRCh37 (hg19) VCF-style: chr3-141326547-T-TA.
Other names: c.1970dup, p.Asn657fs (NM_001303245.3); c.1979dup, p.Asn660fs (NM_001303246.3); short protein forms N657fs, N656fs, N660fs.
Identifiers: ClinVar variation 1391783 (VCV001391783.6), dbSNP rs2083569318, ClinGen allele CA1054295381.

ClinVar aggregate classification (germline): Uncertain significance (1 of 4 stars; one submission).

Submission:

Labcorp Genetics (formerly Invitae), Labcorp
Classification: Uncertain significance. Last evaluated: 2022-03-08. Review status: criteria provided, single submitter. Criteria: Invitae Variant Classification Sherloc (09022015). Collection method: clinical testing. Allele origin: germline.
Comment: In summary, the available evidence is currently insufficient to determine the role of this variant in disease. Therefore, it has been classified as a Variant of Uncertain Significance. This variant has not been reported in the literature in individuals affected with RASA2-related conditions. This variant is not present in population databases (gnomAD no frequency). This sequence change creates a premature translational stop signal (p.Asn656Lysfs*34) in the RASA2 gene. It is expected to result in an absent or disrupted protein product. However, the current clinical and genetic evidence is not sufficient to establish whether loss-of-function variants in RASA2 cause disease.